The following is an entry in ClinVar:

NM_000038.6(APC):c.4617A>T (p.Ser1539=)

Gene: APC (APC regulator of Wnt signaling pathway; plus strand). Cytogenetic location: 5q22.2.
Variant type: single nucleotide variant.
Coding change: c.4617A>T on transcript NM_000038.6 (MANE Select); coding-DNA position 4617, A replaced by T.
Protein change: p.Ser1539=; no amino-acid change (serine 1539 retained).
Molecular consequence: synonymous variant. On other transcripts: non-coding transcript variant (2).
Genome position (GRCh38, 1-based): chr5:112,840,211, A>T. VCF-style: chr5-112840211-A-T. GRCh37 (hg19) VCF-style: chr5-112175908-A-T.
Other names: c.4617A>T, p.Ser1539= (NM_001127510.3, NM_001354895.2, NM_001407450.1); c.4563A>T, p.Ser1521= (NM_001127511.3); c.4671A>T, p.Ser1557= (NM_001354896.2, NM_001407447.1, NM_001407448.1 and 1 more transcripts); c.4647A>T, p.Ser1549= (NM_001354897.2); c.4542A>T, p.Ser1514= (NM_001354898.2); c.4533A>T, p.Ser1511= (NM_001354899.2); c.4494A>T, p.Ser1498= (NM_001354900.2); c.4440A>T, p.Ser1480= (NM_001354901.2, NM_001407453.1); and 11 more.
Identifiers: ClinVar variation 3148295 (VCV003148295.1), dbSNP rs1554086014, ClinGen allele CA446206625.
Genomic context (GRCh38, chr5:112,840,211, plus strand): 5'-TGTGGAATTAAGAATAATGCCTCCAGTTCAGGAAAATGACAATGGGAATGAAACAGAATC[A>T]GAGCAGCCTAAAGAATCAAATGAAAACCAAGAGAAAGAGGCAGAAAAAACTATTGATTCT-3'
Protein context (NP_000029.2, residues 1529-1549): QENDNGNETE[Ser1539=]EQPKESNENQ

ClinVar aggregate classification (germline): Benign (1 of 4 stars; one submission).

Conditions:
Familial adenomatous polyposis 1 (FAP1). Also called: POLYPOSIS, ADENOMATOUS INTESTINAL; FAMILIAL ADENOMATOUS POLYPOSIS 1, ATTENUATED. Identifiers: MedGen C2713442, MONDO:0021056, OMIM 175100. Disease mechanism: loss of function.

Submission:

Myriad Genetics, Inc.
Classification: Benign for Familial adenomatous polyposis 1. Last evaluated: 2024-03-27. Review status: criteria provided, single submitter. Criteria: Myriad Autosomal Dominant, Autosomal Recessive and X-Linked Classification Criteria (2023). Collection method: clinical testing. Allele origin: unknown.
Comment: This variant is considered benign. This variant is a silent/synonymous amino acid change and it is not expected to impact splicing.